The following is an entry in ClinVar:

ClinVar aggregate classification (germline): Likely pathogenic (1 of 4 stars; one submission).

Conditions:
Primary ciliary dyskinesia 3. Identifiers: Orphanet 244, MedGen C1837618, MONDO:0012085, OMIM 608644.

Submission:

Myriad Genetics, Inc.
Classification: Likely pathogenic for Primary ciliary dyskinesia 3. Last evaluated: 2022-01-02. Review status: criteria provided, single submitter. Criteria: Myriad Women's Health Autosomal Recessive and X-Linked Classification Criteria (2021). Collection method: clinical testing. Allele origin: unknown.
Comment: NM_001369.2(DNAH5):c.2382G>A(W794*) is expected to be pathogenic in the context of DNAH5-related primary ciliary dyskinesia. This variant is predicted to lead to an abnormal or absent protein product due to the creation of a premature termination codon in DNAH5, a gene where loss-of-function variants are known to be pathogenic. Please note: this variant was assessed in the context of healthy population screening.

NM_001369.3(DNAH5):c.2382G>A (p.Trp794Ter)

Genes: DNAH5 (dynein axonemal heavy chain 5; minus strand), DNAH5-AS1 (DNAH5 antisense RNA 1; plus strand). Cytogenetic location: 5p15.2.
Variant type: single nucleotide variant.
Coding change: c.2382G>A on transcript NM_001369.3 (MANE Select); coding-DNA position 2382, G replaced by A.
Protein change: p.Trp794Ter; replaces tryptophan 794 with a stop codon.
Molecular consequence: nonsense.
Genome position (GRCh38, 1-based): chr5:13,894,699, C>T on the plus strand (G>A on the coding strand, the complement: DNAH5 is on the minus strand). VCF-style: chr5-13894699-C-T. GRCh37 (hg19) VCF-style: chr5-13894808-C-T.
Other names: short protein forms W794*.
Identifiers: ClinVar variation 1726810 (VCV001726810.2), dbSNP rs2151953467, ClinGen allele CA359200699.
Genomic context (GRCh38, chr5:13,894,699, plus strand): 5'-GGCAGACTTACTGATCTTTGCAAAAGTGTTTTCTAAATAAGCCTCAATATTCAGTGATGT[C>T]CAGGTCAGTGCAGCCAAGCCAGGTTGGAGAGCTTCATCCACTTTGGCCAAGTGAGGGACA-3'